The following is an entry in ClinVar:

NM_001172303.3(MASTL):c.1210C>T (p.Leu404=)

Gene: MASTL (microtubule associated serine/threonine kinase like; plus strand). Cytogenetic location: 10p12.1.
Variant type: single nucleotide variant.
Coding change: c.1210C>T on transcript NM_001172303.3 (MANE Select); coding-DNA position 1210, C replaced by T.
Protein change: p.Leu404=; no amino-acid change (leucine 404 retained).
Molecular consequence: synonymous variant. On other transcripts: non-coding transcript variant (1).
Genome position (GRCh38, 1-based): chr10:27,170,169, C>T. VCF-style: chr10-27170169-C-T. GRCh37 (hg19) VCF-style: chr10-27459098-C-T.
Other names: c.1210C>T, p.Leu404= (NM_001172304.3, NM_001320756.2, NM_001320757.2 and 1 more transcripts); c.727C>T, p.Leu243= (NM_001372029.1, NM_001372030.1).
Identifiers: ClinVar variation 878464 (VCV000878464.5), dbSNP rs145821259, ClinGen allele CA5450174.
Genomic context (GRCh38, chr10:27,170,169, plus strand): 5'-TCTTGTGTAAACCTTGCTAAAAAATGCTTCTCTGGGGAAGTTTCTTGGGAAGCAGTAGAA[C>T]TGGATGTAAATAATATAAATATGGACACTGACACAAGTCAGTTAGGTTTCCATCAGTCAA-3'
Protein context (NP_001165774.1, residues 394-414): SGEVSWEAVE[Leu404=]DVNNINMDTD

ClinVar aggregate classification (germline): Likely benign. Review status: criteria provided, multiple submitters, no conflicts (2 of 4 stars). 2 submissions from 2 submitters: Likely benign (2). Last evaluated 2024-11-25.

Conditions:
Thrombocytopenia. Identifiers: MedGen C0040034, MeSH D013921, MONDO:0002049, HP:0001873.

Allele frequency attached by ClinVar (database versions not stated): gnomAD exomes 0.00003; ExAC 0.00004; TOPMed 0.00004; gnomAD 0.00006; ESP Exome Variant Server 0.00023.

Submissions (2):

Blueprint Genetics
Classification: Likely benign. Last evaluated: 2024-11-25. Review status: criteria provided, single submitter. Criteria: ACMG Guidelines, 2015. Collection method: clinical testing. Allele origin: germline.

Illumina Laboratory Services, Illumina
Classification: Likely benign for Thrombocytopenia. Last evaluated: 2018-01-13. Review status: criteria provided, single submitter. Criteria: ICSL Variant Classification Criteria 13 December 2019. Collection method: clinical testing. Allele origin: germline.
Comment: This variant was observed in the ICSL laboratory as part of a predisposition screen in an ostensibly healthy population. It had not been previously curated by ICSL or reported in the Human Gene Mutation Database (HGMD: prior to June 1st, 2018), and was therefore a candidate for classification through an automated scoring system. Utilizing variant allele frequency, disease prevalence and penetrance estimates, and inheritance mode, an automated score was calculated to assess if this variant is too frequent to cause the disease. Based on the score and internal cut-off values, a variant classified as likely benign is not then subjected to further curation. The score for this variant resulted in a classification of likely benign for this disease.